The following is an entry in ClinVar:

ClinVar aggregate classification (germline): Uncertain significance. Review status: criteria provided, multiple submitters, no conflicts (2 of 4 stars). 3 submissions from 3 submitters: Uncertain significance (3). Last evaluated 2026-05-25.

Allele frequency attached by ClinVar (database versions not stated): ExAC 0.00001; gnomAD 0.00002; TOPMed 0.00003.
gnomAD v4.1: 48 of 1,613,868 alleles (0.003%); highest among the groups gnomAD compares: Non-Finnish European, 0.0039%; no homozygotes.

Submissions (3):

GeneDx
Classification: Uncertain significance. Last evaluated: 2026-05-25. Review status: criteria provided, single submitter. Criteria: GeneDx Variant Classification Process June 2021. Collection method: clinical testing. Allele origin: germline.
Comment: In silico analysis supports that this missense variant has a deleterious effect on protein structure/function; Has not been previously published as pathogenic or benign to our knowledge

Labcorp Genetics (formerly Invitae), Labcorp
Classification: Uncertain significance. Last evaluated: 2026-01-26. Review status: criteria provided, single submitter. Criteria: Invitae Variant Classification Sherloc (09022015). Collection method: clinical testing. Allele origin: germline.
Comment: This sequence change replaces glycine, which is neutral and non-polar, with glutamic acid, which is acidic and polar, at codon 490 of the CACNA1D protein (p.Gly490Glu). This variant is present in population databases (rs749519475, gnomAD 0.004%). This variant has not been reported in the literature in individuals affected with CACNA1D-related conditions. ClinVar contains an entry for this variant (Variation ID: 2181289). Invitae Evidence Modeling of protein sequence and biophysical properties (such as structural, functional, and spatial information, amino acid conservation, physicochemical variation, residue mobility, and thermodynamic stability) indicates that this missense variant is not expected to disrupt CACNA1D protein function with a negative predictive value of 80%. In summary, the available evidence is currently insufficient to determine the role of this variant in disease. Therefore, it has been classified as a Variant of Uncertain Significance.

CeGaT Center for Human Genetics Tuebingen
Classification: Uncertain significance. Last evaluated: 2022-07-01. Review status: criteria provided, single submitter. Criteria: CeGaT Center For Human Genetics Tuebingen Variant Classification Criteria Version 2. Collection method: clinical testing. Allele origin: germline. Affected: yes. Observed: 1 variant allele.
Comment: CACNA1D: PM2:Supporting

NM_001128840.3(CACNA1D):c.1469G>A (p.Gly490Glu)

Gene: CACNA1D (calcium voltage-gated channel subunit alpha1 D; plus strand). Cytogenetic location: 3p21.1.
Variant type: single nucleotide variant.
Coding change: c.1469G>A on transcript NM_001128840.3 (MANE Select); coding-DNA position 1469, G replaced by A.
Protein change: p.Gly490Glu; replaces glycine 490 with glutamic acid.
Molecular consequence: missense variant.
Genome position (GRCh38, 1-based): chr3:53,718,379, G>A. VCF-style: chr3-53718379-G-A. GRCh37 (hg19) VCF-style: chr3-53752406-G-A.
Other names: c.1469G>A, p.Gly490Glu (NM_000720.4, NM_001128839.3); c.1469G>A (NM_000720.2); short protein forms G490E.
Identifiers: ClinVar variation 2181289 (VCV002181289.29), dbSNP rs749519475, ClinGen allele CA2453954.